The following is an entry in ClinVar:

NM_000057.4(BLM):c.4097A>G (p.Lys1366Arg)

Gene: BLM (BLM RecQ like helicase; plus strand). Cytogenetic location: 15q26.1.
Variant type: single nucleotide variant.
Coding change: c.4097A>G on transcript NM_000057.4 (MANE Select); coding-DNA position 4097, A replaced by G.
Protein change: p.Lys1366Arg; replaces lysine 1366 with arginine.
Molecular consequence: missense variant.
Genome position (GRCh38, 1-based): chr15:90,815,122, A>G. VCF-style: chr15-90815122-A-G. GRCh37 (hg19) VCF-style: chr15-91358352-A-G.
Other names: c.4097A>G, p.Lys1366Arg (NM_001287246.2); c.3704A>G, p.Lys1235Arg (NM_001287247.2); c.2972A>G, p.Lys991Arg (NM_001287248.2); short protein forms K1235R, K991R, K1366R.
Identifiers: ClinVar variation 2586883 (VCV002586883.3), dbSNP rs2505575070, ClinGen allele CA393852102.

ClinVar aggregate classification (germline): Conflicting classifications of pathogenicity. Review status: criteria provided, conflicting classifications (1 of 4 stars). 2 submissions from 2 submitters: Uncertain significance (1); Likely benign (1). Last evaluated 2025-06-22.

Conditions:
Hereditary cancer-predisposing syndrome. Also called: Hereditary neoplastic syndrome; Tumor predisposition; Hereditary Cancer Syndrome; Neoplastic Syndromes, Hereditary. Identifiers: Orphanet 140162, MedGen C0027672, MeSH D009386, MONDO:0015356.
Bloom syndrome (BLM). Also called: Bloom-Torre-Machacek syndrome. Identifiers: Orphanet 125, MedGen C0005859, MONDO:0008876, OMIM 210900.

Allele frequency attached by ClinVar (database versions not stated): gnomAD exomes below 0.00001.
gnomAD v4.1: 1 of 1,614,158 alleles (0.000062%); highest among the groups gnomAD compares: Non-Finnish European, 0.000085%; no homozygotes.

Submissions (2):

Labcorp Genetics (formerly Invitae), Labcorp
Classification: Uncertain significance for Bloom syndrome. Last evaluated: 2025-06-22. Review status: criteria provided, single submitter. Criteria: Invitae Variant Classification Sherloc (09022015). Collection method: clinical testing. Allele origin: germline.
Comment: This sequence change replaces lysine, which is basic and polar, with arginine, which is basic and polar, at codon 1366 of the BLM protein (p.Lys1366Arg). This variant is not present in population databases (gnomAD no frequency). This variant has not been reported in the literature in individuals affected with BLM-related conditions. ClinVar contains an entry for this variant (Variation ID: 2586883). Invitae Evidence Modeling of protein sequence and biophysical properties (such as structural, functional, and spatial information, amino acid conservation, physicochemical variation, residue mobility, and thermodynamic stability) indicates that this missense variant is not expected to disrupt BLM protein function with a negative predictive value of 80%. In summary, the available evidence is currently insufficient to determine the role of this variant in disease. Therefore, it has been classified as a Variant of Uncertain Significance.

Ambry Genetics
Classification: Likely benign for Hereditary cancer-predisposing syndrome. Last evaluated: 2023-07-17. Review status: criteria provided, single submitter. Criteria: Ambry Variant Classification Scheme 2023. Collection method: clinical testing. Allele origin: germline.